The following is an entry in ClinVar:

ClinVar aggregate classification (germline): Uncertain significance (1 of 4 stars; one submission).

Conditions:
Hereditary sensory neuropathy-deafness-dementia syndrome. Also called: Hereditary sensory neuropathy type IE; Hereditary Sensory and Autonomic Neuropathy Type 1E (HSAN1E); HSN IE; NEUROPATHY, HEREDITARY SENSORY, WITH HEARING LOSS AND DEMENTIA. Identifiers: Orphanet 456318, MedGen C3279885, MONDO:0013584, OMIM 614116.

gnomAD v4.1: 2 of 1,565,360 alleles (0.00013%); highest among the groups gnomAD compares: Admixed American, 0.0018%; no homozygotes.

Submission:

Labcorp Genetics (formerly Invitae), Labcorp
Classification: Uncertain significance for Hereditary sensory neuropathy-deafness-dementia syndrome. Last evaluated: 2018-10-08. Review status: criteria provided, single submitter. Criteria: Invitae Variant Classification Sherloc (09022015). Collection method: clinical testing. Allele origin: germline.
Comment: This variant has not been reported in the literature in individuals with DNMT1-related disease. This sequence change replaces lysine with glutamic acid at codon 351 of the DNMT1 protein (p.Lys351Glu). The lysine residue is weakly conserved and there is a small physicochemical difference between lysine and glutamic acid. This variant is not present in population databases (ExAC no frequency). Algorithms developed to predict the effect of missense changes on protein structure and function (SIFT, PolyPhen-2, Align-GVGD) all suggest that this variant is likely to be tolerated, but these predictions have not been confirmed by published functional studies and their clinical significance is uncertain. In summary, the available evidence is currently insufficient to determine the role of this variant in disease. Therefore, it has been classified as a Variant of Uncertain Significance.

NM_001130823.3(DNMT1):c.1051A>G (p.Lys351Glu)

Gene: DNMT1 (DNA methyltransferase 1; minus strand). Cytogenetic location: 19p13.2.
Variant type: single nucleotide variant.
Coding change: c.1051A>G on transcript NM_001130823.3 (MANE Select); coding-DNA position 1051, A replaced by G.
Protein change: p.Lys351Glu; replaces lysine 351 with glutamic acid.
Molecular consequence: missense variant.
Genome position (GRCh38, 1-based): chr19:10,160,056, T>C on the plus strand (A>G on the coding strand, the complement: DNMT1 is on the minus strand). VCF-style: chr19-10160056-T-C. GRCh37 (hg19) VCF-style: chr19-10270732-T-C.
Other names: c.1051A>G (LRG_362t1); c.1003A>G, p.Lys335Glu (NM_001318730.2, NM_001379.4); c.688A>G, p.Lys230Glu (NM_001318731.2); short protein forms K230E, K335E, K351E.
Identifiers: ClinVar variation 640540 (VCV000640540.8), dbSNP rs749001465, ClinGen allele CA305173754.